The following is an entry in ClinVar:

NM_020806.5(GPHN):c.1020C>T (p.Val340=)

Gene: GPHN (gephyrin; plus strand). Cytogenetic location: 14q23.3.
Variant type: single nucleotide variant.
Coding change: c.1020C>T on transcript NM_020806.5 (MANE Select); coding-DNA position 1020, C replaced by T.
Protein change: p.Val340=; no amino-acid change (valine 340 retained).
Molecular consequence: synonymous variant.
Genome position (GRCh38, 1-based): chr14:67,058,662, C>T. VCF-style: chr14-67058662-C-T. GRCh37 (hg19) VCF-style: chr14-67525379-C-T.
Other names: c.921C>T, p.Val307= (NM_001024218.2); c.1080C>T, p.Val360= (NM_001377514.1); c.1050C>T, p.Val350= (NM_001377515.1); c.1041C>T, p.Val347= (NM_001377516.1); c.993C>T, p.Val331= (NM_001377517.1); c.978C>T, p.Val326= (NM_001377518.1); c.960C>T, p.Val320= (NM_001377519.1).
Identifiers: ClinVar variation 534555 (VCV000534555.11), dbSNP rs763455984, ClinGen allele CA7233931.
Genomic context (GRCh38, chr14:67,058,662, plus strand): 5'-ATCAGTGTTACAGCATCATATTCTTAGTTAATTATCTTACTGTTTAGGTCACAGTGCTGT[C>T]GATATCACCAAGGTGGCTAGAAGACATCGCATGTCTCCTTTTCCTCTGACATCTATGGAC-3'
Protein context (NP_065857.1, residues 330-350): ENILRASHSA[Val340=]DITKVARRHR

ClinVar aggregate classification (germline): Likely benign. Review status: criteria provided, multiple submitters, no conflicts (2 of 4 stars). 2 submissions from 2 submitters: Likely benign (2). Last evaluated 2026-01-21.

Conditions:
GPHN-related disorder. Also called: GPHN-related condition.
Sulfite oxidase deficiency due to molybdenum cofactor deficiency type C. Also called: Molybdenum cofactor deficiency C; Molybdenum cofactor deficiency, complementation group C. Identifiers: Orphanet 308400, Orphanet 833, MedGen C1854990, MONDO:0014212, OMIM 615501.

Allele frequency attached by ClinVar (database versions not stated): gnomAD 0.00001; gnomAD exomes 0.00001 and 0.00002; TOPMed 0.00001; ExAC 0.00002.
gnomAD v4.1: 30 of 1,612,768 alleles (0.0019%); highest among the groups gnomAD compares: Middle Eastern, 0.016%; no homozygotes.

Submissions (2):

Labcorp Genetics (formerly Invitae), Labcorp
Classification: Likely benign for Sulfite oxidase deficiency due to molybdenum cofactor deficiency type C. Last evaluated: 2026-01-21. Review status: criteria provided, single submitter. Criteria: Invitae Variant Classification Sherloc (09022015). Collection method: clinical testing. Allele origin: germline.

PreventionGenetics, part of Exact Sciences
Classification: Likely benign for GPHN-related condition. Last evaluated: 2025-06-24. Review status: criteria provided, single submitter. Criteria: ACMG Guidelines, 2015. Collection method: clinical testing. Allele origin: germline.
Comment: This variant is classified as likely benign based on ACMG/AMP sequence variant interpretation guidelines (Richards et al. 2015 PMID: 25741868, with internal and published modifications).